The following is an entry in ClinVar:

ClinVar aggregate classification (germline): Uncertain significance (1 of 4 stars; one submission).

Allele frequency attached by ClinVar (database versions not stated): gnomAD exomes below 0.00001.
gnomAD v4.1: 2 of 1,613,906 alleles (0.00012%); highest among the groups gnomAD compares: Non-Finnish European, 0.00017%; no homozygotes.

Submission:

Labcorp Genetics (formerly Invitae), Labcorp
Classification: Uncertain significance. Last evaluated: 2020-11-27. Review status: criteria provided, single submitter. Criteria: Invitae Variant Classification Sherloc (09022015). Collection method: clinical testing. Allele origin: germline.
Comment: This variant has not been reported in the literature in individuals with CNNM4-related conditions. This variant is not present in population databases (ExAC no frequency). This sequence change replaces glutamic acid with valine at codon 95 of the CNNM4 protein (p.Glu95Val). The glutamic acid residue is weakly conserved and there is a moderate physicochemical difference between glutamic acid and valine. Algorithms developed to predict the effect of missense changes on protein structure and function (SIFT, PolyPhen-2, Align-GVGD) all suggest that this variant is likely to be tolerated, but these predictions have not been confirmed by published functional studies and their clinical significance is uncertain. In summary, the available evidence is currently insufficient to determine the role of this variant in disease. Therefore, it has been classified as a Variant of Uncertain Significance.

NM_020184.4(CNNM4):c.284A>T (p.Glu95Val)

Gene: CNNM4 (cyclin and CBS domain divalent metal cation transport mediator 4; plus strand). Cytogenetic location: 2q11.2.
Variant type: single nucleotide variant.
Coding change: c.284A>T on transcript NM_020184.4 (MANE Select); coding-DNA position 284, A replaced by T.
Protein change: p.Glu95Val; replaces glutamic acid 95 with valine.
Molecular consequence: missense variant.
Genome position (GRCh38, 1-based): chr2:96,761,283, A>T. VCF-style: chr2-96761283-A-T. GRCh37 (hg19) VCF-style: chr2-97427020-A-T.
Other names: short protein forms E95V.
Identifiers: ClinVar variation 1467044 (VCV001467044.8), dbSNP rs2078758878, ClinGen allele CA347712783.
Genomic context (GRCh38, chr2:96,761,283, plus strand): 5'-ACCTGAGGCTGTACGGCTACAGCCTGGGCAACATCTCCAGCAACCTGATCTCCTTCACCG[A>T]GGTGGACGATGCCGAGACCCTCCACAAGTCCACCAGCTGCCTCGAGCTCACCAAGGACCT-3'
Protein context (NP_064569.3, residues 85-105): NISSNLISFT[Glu95Val]VDDAETLHKS